The following is an entry in ClinVar:

ClinVar aggregate classification (germline): Pathogenic/Likely pathogenic. Review status: criteria provided, multiple submitters, no conflicts (2 of 4 stars). 3 submissions from 3 submitters: Pathogenic (2); Likely pathogenic (1). Last evaluated 2024-06-24.

Conditions:
MYBPC3-related disorder. Also called: MYBPC3-related disorders; MYBPC3-related condition; MYBPC3-related disease.
Hypertrophic cardiomyopathy. Also called: HYPERTROPHIC MYOCARDIOPATHY. Identifiers: Orphanet 217569, MedGen C0007194, MeSH D002312, MONDO:0005045, HP:0001639.

Submissions (3):

Labcorp Genetics (formerly Invitae), Labcorp
Classification: Pathogenic for Hypertrophic cardiomyopathy. Last evaluated: 2024-06-24. Review status: criteria provided, single submitter. Criteria: Invitae Variant Classification Sherloc (09022015). Collection method: clinical testing. Allele origin: germline.
Comment: This sequence change creates a premature translational stop signal (p.Gln327*) in the MYBPC3 gene. It is expected to result in an absent or disrupted protein product. Loss-of-function variants in MYBPC3 are known to be pathogenic (PMID: 19574547). This variant is not present in population databases (gnomAD no frequency). This variant has not been reported in the literature in individuals affected with MYBPC3-related conditions. ClinVar contains an entry for this variant (Variation ID: 164135). For these reasons, this variant has been classified as Pathogenic.

Blueprint Genetics
Classification: Likely pathogenic for MYBPC3-related disorders. Last evaluated: 2019-06-19. Review status: criteria provided, single submitter. Criteria: ACMG Guidelines, 2015. Collection method: clinical testing. Allele origin: germline. Affected: yes. Observed: 1 variant allele.

Laboratory for Molecular Medicine, Mass General Brigham Personalized Medicine
Classification: Pathogenic for Hypertrophic cardiomyopathy. Last evaluated: 2014-07-31. Review status: criteria provided, single submitter. Criteria: LMM Criteria. Collection method: clinical testing. Allele origin: germline. Inheritance: Autosomal dominant inheritance. Observed: 1 variant allele.
Comment: The Gln327X variant in MYBPC3 has not been reported in individuals with cardiomy opathy and was absent from large population studies. This nonsense variant leads to a premature termination codon at position 327, which is predicted to lead to a truncated or absent protein. Heterozygous loss of function of the MYBPC3 gene is an established disease mechanism in individuals with HCM. In summary, this v ariant meets our criteria to be classified as pathogenic (. org/LMM) based on the predicted impact of the variant.

Literature cited by the submitters: PubMed 19574547 (cited by Labcorp Genetics (formerly Invitae), Labcorp).

NM_000256.3(MYBPC3):c.979C>T (p.Gln327Ter)

Gene: MYBPC3 (myosin binding protein C3; minus strand). Cytogenetic location: 11p11.2.
Variant type: single nucleotide variant.
Coding change: c.979C>T on transcript NM_000256.3 (MANE Select); coding-DNA position 979, C replaced by T.
Protein change: p.Gln327Ter; replaces glutamine 327 with a stop codon.
Molecular consequence: nonsense.
Genome position (GRCh38, 1-based): chr11:47,346,318, G>A on the plus strand (C>T on the coding strand, the complement: MYBPC3 is on the minus strand). VCF-style: chr11-47346318-G-A. GRCh37 (hg19) VCF-style: chr11-47367869-G-A.
Other names: short protein forms Q327*.
Identifiers: ClinVar variation 164135 (VCV000164135.7), dbSNP rs727503210, ClinGen allele CA016219.